The following is an entry in ClinVar:

ClinVar aggregate classification (germline): Conflicting classifications of pathogenicity. Review status: criteria provided, conflicting classifications (1 of 4 stars). 4 submissions from 4 submitters: Uncertain significance (3); Likely benign (1). Last evaluated 2025-12-29.

Conditions:
Autoinflammatory syndrome. Identifiers: Orphanet 93665, MedGen C3890737, MONDO:0019751.
Deficiency of adenosine deaminase 2. Also called: Adenosine Deaminase 2 Deficiency; VASCULITIS, AUTOINFLAMMATION, IMMUNODEFICIENCY, AND HEMATOLOGIC DEFECTS SYNDROME; Polyarteritis nodosa, childhoood-onset. Identifiers: Orphanet 404553, MedGen C3887654, MONDO:0014306, OMIM 615688, MONDO:0100317.
Sneddon syndrome (SNDNS). Also called: LIVEDO RETICULARIS AND CEREBROVASCULAR ACCIDENTS; Idiopathic livedo reticularis with systemic involvement. Identifiers: Orphanet 820, MedGen C0282492, MONDO:0008436, OMIM 182410.

Allele frequency attached by ClinVar (database versions not stated): gnomAD exomes 0.00012 and 0.00024; TOPMed 0.00012; gnomAD 0.00014 and 0.00021; ExAC 0.00026; 1000 Genomes Project 30x 0.00109; 1000 Genomes Project 0.00140.

Submissions (4):

Labcorp Genetics (formerly Invitae), Labcorp
Classification: Likely benign for Deficiency of adenosine deaminase 2. Last evaluated: 2025-12-29. Review status: criteria provided, single submitter. Criteria: Invitae Variant Classification Sherloc (09022015). Collection method: clinical testing. Allele origin: germline.

Fulgent Genetics
Classification: Uncertain significance for Sneddon syndrome; Deficiency of adenosine deaminase 2. Last evaluated: 2024-03-27. Review status: criteria provided, single submitter. Criteria: ACMG Guidelines, 2015. Collection method: clinical testing. Allele origin: germline.

Genome Diagnostics Laboratory, The Hospital for Sick Children
Classification: Uncertain significance for Autoinflammatory syndrome. Last evaluated: 2020-08-05. Review status: criteria provided, single submitter. Criteria: ACMG Guidelines, 2015. Collection method: clinical testing. Allele origin: germline. Affected: yes.

Baylor Genetics
Classification: Uncertain significance for Deficiency of adenosine deaminase 2. Last evaluated: 2020-03-06. Review status: criteria provided, single submitter. Criteria: ACMG Guidelines, 2015. Collection method: clinical testing. Allele origin: unknown. Affected: yes.
Comment: This variant was determined to be of uncertain significance according to ACMG Guidelines, 2015 [PMID:25741868].

NM_001282225.2(ADA2):c.1065C>A (p.Phe355Leu)

Gene: ADA2 (adenosine deaminase 2; minus strand). Cytogenetic location: 22q11.1.
Variant type: single nucleotide variant.
Coding change: c.1065C>A on transcript NM_001282225.2 (MANE Select); coding-DNA position 1065, C replaced by A.
Protein change: p.Phe355Leu; replaces phenylalanine 355 with leucine.
Molecular consequence: missense variant.
Genome position (GRCh38, 1-based): chr22:17,188,355, G>T on the plus strand (C>A on the coding strand, the complement: ADA2 is on the minus strand). VCF-style: chr22-17188355-G-T. GRCh37 (hg19) VCF-style: chr22-17669245-G-T.
Other names: c.1065C>A, p.Phe355Leu (NM_001282226.2); c.939C>A, p.Phe313Leu (NM_001282227.2, NM_001282228.2); c.705C>A, p.Phe235Leu (NM_001282229.2); c.342C>A, p.Phe114Leu (NM_177405.3); short protein forms F355L, F114L, F313L, F235L.
Identifiers: ClinVar variation 859452 (VCV000859452.15), dbSNP rs116020027, ClinGen allele CA10087990.
Genomic context (GRCh38, chr22:17,188,355, plus strand): 5'-CATTGACCACCTCCGCTGCCTCTGCTCGCATCCCGCAGGCTCACCTGTTTCTCCGGCGTG[G>T]AAGAAGTAAGGCAGCTTAACGCCATCCTTGGCGGGGATCATCAGAGCTTCCTTGTAGTCA-3'
Protein context (NP_001269154.1, residues 345-365): AKDGVKLPYF[Phe355Leu]HAGETDWQGT